The following is an entry in ClinVar:

GRCh38/hg38 11p15.5-15.4(chr11:198510-3400939)x3

Genes: LRRC56 (leucine rich repeat containing 56; plus strand), LSP1 (lymphocyte specific protein 1; plus strand), MIR210 (microRNA 210; minus strand), MIR210HG (MIR210 host gene; minus strand), MIR4298 (microRNA 4298; minus strand) and 269 more. Cytogenetic location: 11p15.5-15.4.
Variant type: copy number gain.
Change: copy number 3 (three copies instead of two) of chr11:198,510-3,400,939 (3.20 Mb, GRCh38 coordinates, 1-based), cytogenetic band 11p15.5-15.4.
Identifiers: ClinVar variation 4755362 (VCV004755362.1).

ClinVar aggregate classification (germline): Pathogenic (1 of 4 stars; one submission).

Submission:

Clinical Genomics Laboratory, Laboratory for Precision Diagnostics, University of Washington
Classification: Pathogenic. Last evaluated: 2022-01-25. Review status: criteria provided, single submitter. Criteria: ACMG/ClinGen CNV Guidelines, 2019. Collection method: clinical testing. Allele origin: de novo. Affected: yes. Observed: 1 variant allele.
Comment: This duplication encompasses a region of 11p15.5 in which genes are regulated differently on the maternal copy transmitted from the egg compared to the paternal copy transmitted from the sperm. Silver-Russell syndrome is predicted if this duplication is maternally-derived, whereas Beckwith-Wiedemann syndrome is predicted if it is paternally-derived.

Literature cited by the submitters: PubMed 20028213; PubMed 29223973; PubMed 31174542; PubMed 9350814.